The following is an entry in ClinVar:

ClinVar aggregate classification (germline): Likely benign. Review status: criteria provided, multiple submitters, no conflicts (2 of 4 stars). 6 submissions from 6 submitters: Likely benign (6). Last evaluated 2026-01-26.

Conditions:
Cardiovascular phenotype. Identifiers: MedGen CN230736.
Catecholaminergic polymorphic ventricular tachycardia (CVPT). Also called: Catecholamine-induced polymorphic ventricular tachycardia. Identifiers: Orphanet 3286, MedGen C5574922, MONDO:0017990.
Cardiomyopathy (CMYO). Also called: Cardiomyopathies. Identifiers: Orphanet 167848, MedGen C0878544, MONDO:0004994, HP:0001638. Inheritance: Various modes of inheritance.
Catecholaminergic polymorphic ventricular tachycardia 1. Also called: RYR2-Related Catecholaminergic Polymorphic Ventricular Tachycardia; VENTRICULAR TACHYCARDIA, CATECHOLAMINERGIC POLYMORPHIC, 1, WITH OR WITHOUT ATRIAL DYSFUNCTION AND/OR DILATED CARDIOMYOPATHY; VENTRICULAR TACHYCARDIA, STRESS-INDUCED POLYMORPHIC 1. Identifiers: Orphanet 3286, MedGen C1631597, MONDO:0011484, OMIM 604772.

Allele frequency attached by ClinVar (database versions not stated): gnomAD exomes 0.00003 and 0.00006; ExAC 0.00010; gnomAD 0.00001.
gnomAD v4.1: 47 of 1,609,800 alleles (0.0029%); highest among the groups gnomAD compares: Non-Finnish European, 0.0039%; no homozygotes.

Submissions (6):

Labcorp Genetics (formerly Invitae), Labcorp
Classification: Likely benign for Catecholaminergic polymorphic ventricular tachycardia 1. Last evaluated: 2026-01-26. Review status: criteria provided, single submitter. Criteria: Invitae Variant Classification Sherloc (09022015). Collection method: clinical testing. Allele origin: germline.

Blueprint Genetics
Classification: Likely benign. Last evaluated: 2024-06-26. Review status: criteria provided, single submitter. Criteria: ACMG Guidelines, 2015. Collection method: clinical testing. Allele origin: germline.

All of Us Research Program, National Institutes of Health
Classification: Likely benign for Catecholaminergic polymorphic ventricular tachycardia. Last evaluated: 2023-12-13. Review status: criteria provided, single submitter. Criteria: ACMG Guidelines, 2015. Collection method: clinical testing. Allele origin: germline. Inheritance: Autosomal dominant inheritance. Observed: 9 variant alleles, 9 heterozygotes.
Comment: This study involves interpretation of variants in research participants for the purpose of population health screening. Participant phenotype was not available at the time of variant classification. Additional details can be found in publication PMID: 35346344, PMCID: PMC8962531

Ambry Genetics
Classification: Likely benign for Cardiovascular phenotype. Last evaluated: 2019-12-30. Review status: criteria provided, single submitter. Criteria: Ambry Variant Classification Scheme 2023. Collection method: clinical testing. Allele origin: germline.

Color Diagnostics, LLC DBA Color Health
Classification: Likely benign for Cardiomyopathy. Last evaluated: 2018-12-13. Review status: criteria provided, single submitter. Criteria: ACMG Guidelines, 2015. Collection method: clinical testing. Allele origin: germline.

GeneDx
Classification: Likely benign. Last evaluated: 2016-02-26. Review status: criteria provided, single submitter. Criteria: GeneDx Variant Classification (06012015). Collection method: clinical testing. Allele origin: germline. Affected: yes.
Comment: This variant is considered likely benign or benign based on one or more of the following criteria: it is a conservative change, it occurs at a poorly conserved position in the protein, it is predicted to be benign by multiple in silico algorithms, and/or has population frequency not consistent with disease.

NM_001035.3(RYR2):c.8028G>A (p.Leu2676=)

Gene: RYR2 (ryanodine receptor 2; plus strand). Cytogenetic location: 1q43.
Variant type: single nucleotide variant.
Coding change: c.8028G>A on transcript NM_001035.3 (MANE Select); coding-DNA position 8028, G replaced by A.
Protein change: p.Leu2676=; no amino-acid change (leucine 2676 retained).
Molecular consequence: synonymous variant.
Genome position (GRCh38, 1-based): chr1:237,655,883, G>A. VCF-style: chr1-237655883-G-A. GRCh37 (hg19) VCF-style: chr1-237819183-G-A.
Other names: c.8028G>A, p.Leu2676= (LRG_402t1).
Identifiers: ClinVar variation 263737 (VCV000263737.21), dbSNP rs775159757, ClinGen allele CA087558.